The following is an entry in ClinVar:

NM_001277115.2(DNAH11):c.10019A>C (p.Lys3340Thr)

Gene: DNAH11 (dynein axonemal heavy chain 11; plus strand). Cytogenetic location: 7p15.3.
Variant type: single nucleotide variant.
Coding change: c.10019A>C on transcript NM_001277115.2 (MANE Select); coding-DNA position 10019, A replaced by C.
Protein change: p.Lys3340Thr; replaces lysine 3340 with threonine.
Molecular consequence: missense variant.
Genome position (GRCh38, 1-based): chr7:21,789,335, A>C. VCF-style: chr7-21789335-A-C. GRCh37 (hg19) VCF-style: chr7-21828953-A-C.
Other names: c.10040A>C, p.Lys3347Thr (NM_003777.3); short protein forms K3340T, K3347T.
Identifiers: ClinVar variation 1763357 (VCV001763357.7), dbSNP rs1788333100, ClinGen allele CA366942453.

ClinVar aggregate classification (germline): Uncertain significance. Review status: criteria provided, multiple submitters, no conflicts (2 of 4 stars). 2 submissions from 2 submitters: Uncertain significance (2). Last evaluated 2022-07-11.

Conditions:
Primary ciliary dyskinesia. Also called: Ciliary dyskinesia. Identifiers: Orphanet 244, MedGen C0008780, MONDO:0016575, HP:0012265.

Allele frequency attached by ClinVar (database versions not stated): TOPMed 0.00001.

Submissions (2):

Labcorp Genetics (formerly Invitae), Labcorp
Classification: Uncertain significance for Primary ciliary dyskinesia. Last evaluated: 2022-07-11. Review status: criteria provided, single submitter. Criteria: Invitae Variant Classification Sherloc (09022015). Collection method: clinical testing. Allele origin: germline.
Comment: In summary, the available evidence is currently insufficient to determine the role of this variant in disease. Therefore, it has been classified as a Variant of Uncertain Significance. Advanced modeling of protein sequence and biophysical properties (such as structural, functional, and spatial information, amino acid conservation, physicochemical variation, residue mobility, and thermodynamic stability) performed at Invitae indicates that this missense variant is not expected to disrupt DNAH11 protein function. This variant has not been reported in the literature in individuals affected with DNAH11-related conditions. This variant is not present in population databases (gnomAD no frequency). This sequence change replaces lysine, which is basic and polar, with threonine, which is neutral and polar, at codon 3340 of the DNAH11 protein (p.Lys3340Thr).

Ambry Genetics
Classification: Uncertain significance for Primary ciliary dyskinesia. Last evaluated: 2021-06-24. Review status: criteria provided, single submitter. Criteria: Ambry Variant Classification Scheme 2023. Collection method: clinical testing. Allele origin: germline.
Comment: The p.K3340T variant (also known as c.10019A>C), located in coding exon 61 of the DNAH11 gene, results from an A to C substitution at nucleotide position 10019. The lysine at codon 3340 is replaced by threonine, an amino acid with similar properties. This amino acid position is highly conserved in available vertebrate species. In addition, the in silico prediction for this alteration is inconclusive. Since supporting evidence is limited at this time, the clinical significance of this alteration remains unclear.